The following is an entry in ClinVar:

ClinVar aggregate classification (germline): Conflicting classifications of pathogenicity. Review status: criteria provided, conflicting classifications (1 of 4 stars). 5 submissions from 5 submitters: Uncertain significance (2); Likely benign (3). Last evaluated 2025-11-24.

Conditions:
Familial thoracic aortic aneurysm and aortic dissection (TAAD). Also called: Thoracic aortic aneurysms and dissections. Identifiers: Orphanet 91387, MedGen C4707243, MONDO:0019625.
Congenital contractural arachnodactyly (CCA). Also called: Beals-Hecht syndrome; BEALS SYNDROME; Arthrogryposis, distal, type 9. Identifiers: Orphanet 115, MedGen C0220668, MONDO:0007363, OMIM 121050.

Allele frequency attached by ClinVar (database versions not stated): ESP Exome Variant Server 0.00038; 1000 Genomes Project 0.00040; 1000 Genomes Project 30x 0.00047; TOPMed 0.00047.
gnomAD v4.1: 169 of 1,613,598 alleles (0.01%); highest among the groups gnomAD compares: African/African-American, 0.092%; no homozygotes.

Submissions (5):

Labcorp Genetics (formerly Invitae), Labcorp
Classification: Likely benign for Congenital contractural arachnodactyly. Last evaluated: 2025-11-24. Review status: criteria provided, single submitter. Criteria: Invitae Variant Classification Sherloc (09022015). Collection method: clinical testing. Allele origin: germline.

Women's Health and Genetics/Laboratory Corporation of America, LabCorp
Classification: Likely benign. Last evaluated: 2024-02-19. Review status: criteria provided, single submitter. Criteria: LabCorp Variant Classification Summary - May 2015. Collection method: clinical testing. Allele origin: germline.

Ambry Genetics
Classification: Uncertain significance for Familial thoracic aortic aneurysm and aortic dissection. Last evaluated: 2023-05-01. Review status: criteria provided, single submitter. Criteria: Ambry Variant Classification Scheme 2023. Collection method: clinical testing. Allele origin: germline.
Comment: The p.R270H variant (also known as c.809G>A), located in coding exon 6 of the FBN2 gene, results from a G to A substitution at nucleotide position 809. The arginine at codon 270 is replaced by histidine, an amino acid with highly similar properties. This amino acid position is highly conserved in available vertebrate species. In addition, this alteration is predicted to be deleterious by in silico analysis. Since supporting evidence is limited at this time, the clinical significance of this alteration remains unclear.

GeneDx
Classification: Likely benign. Last evaluated: 2020-09-29. Review status: criteria provided, single submitter. Criteria: GeneDx Variant Classification Process June 2021. Collection method: clinical testing. Allele origin: germline. Affected: yes.

Genetic Services Laboratory, University of Chicago
Classification: Uncertain significance. Last evaluated: 2019-03-28. Review status: criteria provided, single submitter. Criteria: ACMG Guidelines, 2015. Collection method: clinical testing. Allele origin: germline. Affected: no.

NM_001999.4(FBN2):c.809G>A (p.Arg270His)

Gene: FBN2 (fibrillin 2; minus strand). Cytogenetic location: 5q23.3.
Variant type: single nucleotide variant.
Coding change: c.809G>A on transcript NM_001999.4 (MANE Select); coding-DNA position 809, G replaced by A.
Protein change: p.Arg270His; replaces arginine 270 with histidine.
Molecular consequence: missense variant.
Genome position (GRCh38, 1-based): chr5:128,464,741, C>T on the plus strand (G>A on the coding strand, the complement: FBN2 is on the minus strand). VCF-style: chr5-128464741-C-T. GRCh37 (hg19) VCF-style: chr5-127800434-C-T.
Other names: short protein forms R270H.
Identifiers: ClinVar variation 213433 (VCV000213433.20), dbSNP rs148971572, ClinGen allele CA324848.
Genomic context (GRCh38, chr5:128,464,741, plus strand): 5'-TGGCAGGTCTGCGATGGTGTGCACAGGCAGACAGCTGACTCACCTTGGCAAGCTCCAGTG[C>T]GGATGTTGGGGATGAAACCCCGTCGGCAGGGCTGAGGCTGGGCTGGACACATCTCACAGG-3'
Protein context (NP_001990.2, residues 260-280): PCRRGFIPNI[Arg270His]TGACQDVDEC